The following is an entry in ClinVar:

ClinVar aggregate classification (germline): Likely benign (1 of 4 stars; one submission).

gnomAD v4.1: 4,255 of 1,613,960 alleles (0.26%); highest among the groups gnomAD compares: Non-Finnish European, 0.31%; 12 homozygotes.

Submission:

CeGaT Center for Human Genetics Tuebingen
Classification: Likely benign. Last evaluated: 2026-04-01. Review status: criteria provided, single submitter. Criteria: CeGaT Center For Human Genetics Tuebingen Variant Classification Criteria Version 2. Collection method: clinical testing. Allele origin: germline. Affected: yes. Observed: 1 variant allele.
Comment: MGA: BP4, BP7

NM_001400225.1(MGA):c.9219T>C (p.Val3073=)

Gene: MGA (MAX dimerization protein MGA; plus strand). Cytogenetic location: 15q15.1.
Variant type: single nucleotide variant.
Coding change: c.9219T>C on transcript NM_001400225.1 (MANE Select); coding-DNA position 9219, T replaced by C.
Protein change: p.Val3073=; no amino-acid change (valine 3073 retained).
Molecular consequence: synonymous variant.
Genome position (GRCh38, 1-based): chr15:41,767,154, T>C. VCF-style: chr15-41767154-T-C. GRCh37 (hg19) VCF-style: chr15-42059352-T-C.
Other names: c.8445T>C, p.Val2815= (NM_001080541.3); c.9072T>C, p.Val3024= (NM_001164273.2); c.6168T>C, p.Val2056= (NM_001400242.1).
Identifiers: ClinVar variation 4872164 (VCV004872164.2).